The following is an entry in ClinVar:

NM_021100.5(NFS1):c.822C>T (p.Pro274=)

Gene: NFS1 (NFS1 cysteine desulfurase; minus strand). Cytogenetic location: 20q11.22.
Variant type: single nucleotide variant.
Coding change: c.822C>T on transcript NM_021100.5 (MANE Select); coding-DNA position 822, C replaced by T.
Protein change: p.Pro274=; no amino-acid change (proline 274 retained).
Molecular consequence: synonymous variant. On other transcripts: non-coding transcript variant (1).
Genome position (GRCh38, 1-based): chr20:35,675,171, G>A on the plus strand (C>T on the coding strand, the complement: NFS1 is on the minus strand). VCF-style: chr20-35675171-G-A. GRCh37 (hg19) VCF-style: chr20-34263093-G-A.
Other names: c.669C>T, p.Pro223= (NM_001198989.2).
Identifiers: ClinVar variation 387147 (VCV000387147.3), dbSNP rs772010519, ClinGen allele CA9837135.

ClinVar aggregate classification (germline): Likely benign. Review status: criteria provided, multiple submitters, no conflicts (2 of 4 stars). 2 submissions from 2 submitters: Likely benign (2). Last evaluated 2024-06-21.

Allele frequency attached by ClinVar (database versions not stated): gnomAD exomes 0.00001 and 0.00004; ExAC 0.00005; gnomAD 0.00005 and 0.00006; TOPMed 0.00007.
gnomAD v4.1: 21 of 1,613,532 alleles (0.0013%); highest among the groups gnomAD compares: Admixed American, 0.03%; no homozygotes.

Submissions (2):

Labcorp Genetics (formerly Invitae), Labcorp
Classification: Likely benign. Last evaluated: 2024-06-21. Review status: criteria provided, single submitter. Criteria: Invitae Variant Classification Sherloc (09022015). Collection method: clinical testing. Allele origin: germline.

GeneDx
Classification: Likely benign. Last evaluated: 2016-07-19. Review status: criteria provided, single submitter. Criteria: GeneDx Variant Classification (06012015). Collection method: clinical testing. Allele origin: germline. Affected: yes.
Comment: This variant is considered likely benign or benign based on one or more of the following criteria: it is a conservative change, it occurs at a poorly conserved position in the protein, it is predicted to be benign by multiple in silico algorithms, and/or has population frequency not consistent with disease.